The following is an entry in ClinVar:

NM_014363.6(SACS):c.7320_7323del (p.Gln2441fs)

Gene: SACS (sacsin molecular chaperone; minus strand). Cytogenetic location: 13q12.12.
Variant type: Deletion.
Coding change: c.7320_7323del on transcript NM_014363.6 (MANE Select); coding-DNA positions 7320 to 7323, 4 bases deleted (ACAA; older notation c.7320_7323delACAA).
Protein change: p.Gln2441fs; shifts the reading frame from glutamine 2441.
Molecular consequence: frameshift variant.
Genome position (GRCh38, 1-based): chr13:23,336,553-23,336,556, TTGT deleted on the plus strand (ACAA on the coding strand, the reverse complement: SACS is on the minus strand); deleting any 4 consecutive bases within chr13:23,336,553-23,336,558 gives the same sequence; the c. name uses the placement nearest the transcript's 3' end. VCF-style (leftmost placement, unchanged base first): chr13-23336552-CTTGT-C. GRCh37 (hg19) VCF-style: chr13-23910691-CTTGT-C.
Other names: c.6879_6882del, p.Gln2294fs (NM_001278055.2); c.7347_7350del, p.Gln2450fs (NM_001437336.1); short protein forms Q2294fs, Q2441fs, Q2450fs.
Identifiers: ClinVar variation 4815713 (VCV004815713.1).

ClinVar aggregate classification (germline): Likely pathogenic (1 of 4 stars; one submission).

Conditions:
Charlevoix-Saguenay spastic ataxia (SACS). Also called: AUTOSOMAL RECESSIVE SPASTIC ATAXIA OF CHARLEVOIX-SAGUENAY; Spastic ataxia of Charlevoix-Saguenay; SPASTIC ATAXIA 6, AUTOSOMAL RECESSIVE. Identifiers: Orphanet 98, MedGen C1849140, MONDO:0010041, OMIM 270550.

Submission:

Natera, Inc.
Classification: Likely pathogenic for Charlevoix-Saguenay type spastic ataxia. Last evaluated: 2025-07-10. Review status: criteria provided, single submitter. Criteria: Natera Variant Classification Schema (03/2026). Collection method: clinical testing. Allele origin: germline.
Comment: The c.7320_7323del variant in SACS is a frameshift variant predicted to shift the reading frame beginning at codon 2441 and leads to a stop codon 33 codons downstream. This variant is expected to result in nonsense mediated decay, truncation, or a dysfunctional protein product. This variant is rare in the general population with a frequency below the threshold expected for the associated phenotype(s). Given the available evidence, this variant is classified as Likely Pathogenic.